The following is an entry in ClinVar:

NM_020778.5(ALPK3):c.2072G>A (p.Gly691Asp)

Gene: ALPK3 (alpha kinase 3; plus strand). Cytogenetic location: 15q25.3.
Variant type: single nucleotide variant.
Coding change: c.2072G>A on transcript NM_020778.5 (MANE Select); coding-DNA position 2072, G replaced by A.
Protein change: p.Gly691Asp; replaces glycine 691 with aspartic acid.
Molecular consequence: missense variant.
Genome position (GRCh38, 1-based): chr15:84,856,810, G>A. VCF-style: chr15-84856810-G-A. GRCh37 (hg19) VCF-style: chr15-85400041-G-A.
Other names: short protein forms G691D.
Identifiers: ClinVar variation 2093556 (VCV002093556.4), dbSNP rs971338354, ClinGen allele CA273623905.

ClinVar aggregate classification (germline): Uncertain significance (1 of 4 stars; one submission).

Allele frequency attached by ClinVar (database versions not stated): gnomAD exomes below 0.00001; TOPMed 0.00001.
gnomAD v4.1: 1 of 1,614,060 alleles (0.000062%); highest among the groups gnomAD compares: East Asian, 0.0022%; no homozygotes.

Submission:

Labcorp Genetics (formerly Invitae), Labcorp
Classification: Uncertain significance. Last evaluated: 2022-09-27. Review status: criteria provided, single submitter. Criteria: Invitae Variant Classification Sherloc (09022015). Collection method: clinical testing. Allele origin: germline.
Comment: In summary, the available evidence is currently insufficient to determine the role of this variant in disease. Therefore, it has been classified as a Variant of Uncertain Significance. Advanced modeling of protein sequence and biophysical properties (such as structural, functional, and spatial information, amino acid conservation, physicochemical variation, residue mobility, and thermodynamic stability) performed at Invitae indicates that this missense variant is not expected to disrupt ALPK3 protein function. This variant has not been reported in the literature in individuals affected with ALPK3-related conditions. This variant is not present in population databases (gnomAD no frequency). This sequence change replaces glycine, which is neutral and non-polar, with aspartic acid, which is acidic and polar, at codon 893 of the ALPK3 protein (p.Gly893Asp).